The following is an entry in ClinVar:

ClinVar aggregate classification (germline): Uncertain significance (1 of 4 stars; one submission).

Conditions:
MEG3-related disorder. Also called: MEG3-related condition.

Allele frequency attached by ClinVar (database versions not stated): gnomAD 0.00001; gnomAD exomes 0.00001.
gnomAD v4.1: 4 of 454,582 alleles (0.00088%); highest among the groups gnomAD compares: Admixed American, 0.0071%; no homozygotes.

Submission:

PreventionGenetics, part of Exact Sciences
Classification: Uncertain significance for MEG3-related condition. Last evaluated: 2023-05-11. Review status: criteria provided, single submitter. Criteria: ACMG Guidelines, 2015. Collection method: clinical testing. Allele origin: germline.
Comment: The MEG3 n.1050-1536G>T variant is predicted to interfere with splicing. In an alternate transcript (NR_003530.2) this variant affects the canonical splice acceptor site (n.1180-1G>T) and is predicted to affect splicing (Alamut Visual Plus v1.6.1). To our knowledge, this variant has not been reported in the literature. This variant is reported in only 1 out of 31,366 alleles in gnomAD. At this time, the clinical significance of this variant is uncertain due to the absence of conclusive functional and genetic evidence.

NR_046473.1(MEG3):n.1050-1536G>T

Gene: MEG3 (maternally expressed 3; plus strand). Cytogenetic location: 14q32.2.
Variant type: single nucleotide variant.
Molecular consequence: intron variant (on NR_046473.1).
Genome position: GRCh38 VCF-style: chr14-100834631-G-T. GRCh37 (hg19) VCF-style: chr14-101300968-G-T.
Identifiers: ClinVar variation 2636776 (VCV002636776.1), dbSNP rs934263864, ClinGen allele CA266911450.
Genomic context (GRCh38, chr14:100,834,631, plus strand): 5'-CTGTTGCCTTCTTCCTCGTCTTCCTCTCTCTCAATATCTCCCTCTCTTTGTCCCTCCCCA[G>T]TTCCTGACCTGGCCATCCCGGGGTGCCCTTGACCAGCCCCGTGTCTCCTCAGGGTGTCCC-3'